The following is an entry in ClinVar:

ClinVar aggregate classification (germline): Benign/Likely benign. Review status: criteria provided, multiple submitters, no conflicts (2 of 4 stars). 2 submissions from 2 submitters: Benign (1); Likely benign (1). Last evaluated 2026-02-02.

Conditions:
Polyhydramnios, megalencephaly, and symptomatic epilepsy (PMSE). Also called: PMSE SYNDROME. Identifiers: Orphanet 500533, MedGen C1970203, MONDO:0012611, OMIM 611087.

Allele frequency attached by ClinVar (database versions not stated): ESP Exome Variant Server 0.00031; gnomAD exomes 0.00257 and 0.00812; TOPMed 0.00389; gnomAD 0.00441 and 0.00460; ExAC 0.00608; 1000 Genomes Project 30x 0.00609; 1000 Genomes Project 0.00659.
gnomAD v4.1: 4,380 of 1,612,884 alleles (0.27%); highest among the groups gnomAD compares: Admixed American, 2.5%; 65 homozygotes.

Submissions (2):

Labcorp Genetics (formerly Invitae), Labcorp
Classification: Benign for Polyhydramnios, megalencephaly, and symptomatic epilepsy. Last evaluated: 2026-02-02. Review status: criteria provided, single submitter. Criteria: Invitae Variant Classification Sherloc (09022015). Collection method: clinical testing. Allele origin: germline.

Center for Pediatric Genomic Medicine, Children's Mercy Hospital and Clinics
Classification: Likely benign. Last evaluated: 2017-02-16. Review status: criteria provided, single submitter. Criteria: ACMG Guidelines, 2015. Collection method: clinical testing. Allele origin: germline.
ClinVar note: Converted during submission from Likely Benign to Likely benign.

NM_001003787.4(STRADA):c.36+15A>G

Gene: STRADA (STE20 related adaptor alpha; minus strand). Cytogenetic location: 17q23.3.
Variant type: single nucleotide variant.
Coding change: c.36+15A>G on transcript NM_001003787.4 (MANE Select); 15 bases into the intron after coding-DNA position 36, A replaced by G.
Molecular consequence: intron variant.
Genome position (GRCh38, 1-based): chr17:63,728,319, T>C on the plus strand (A>G on the coding strand, the complement: STRADA is on the minus strand). VCF-style: chr17-63728319-T-C. GRCh37 (hg19) VCF-style: chr17-61805679-T-C.
Other names: c.12+39A>G (NM_001363789.1, NM_001003786.3, NM_153335.6 and 1 more transcripts); c.-110+39A>G (NM_001363790.1); c.36+15A>G (NM_001165969.2, NM_001363787.1, NM_001165970.2 and 1 more transcripts); c.-110+15A>G (NM_001363791.1, NM_001003788.3).
Identifiers: ClinVar variation 377300 (VCV000377300.11), dbSNP rs4968596, ClinGen allele CA8703551.